The following is an entry in ClinVar:

NM_000138.5(FBN1):c.4631A>G (p.Asn1544Ser)

Gene: FBN1 (fibrillin 1; minus strand). Cytogenetic location: 15q21.1.
Variant type: single nucleotide variant.
Coding change: c.4631A>G on transcript NM_000138.5 (MANE Select); coding-DNA position 4631, A replaced by G.
Protein change: p.Asn1544Ser; replaces asparagine 1544 with serine.
Molecular consequence: missense variant.
Genome position (GRCh38, 1-based): chr15:48,468,054, T>C on the plus strand (A>G on the coding strand, the complement: FBN1 is on the minus strand). VCF-style: chr15-48468054-T-C. GRCh37 (hg19) VCF-style: chr15-48760251-T-C.
Other names: c.4631A>G, p.Asn1544Ser (NM_001406716.1); short protein forms N1544S.
Identifiers: ClinVar variation 3386791 (VCV003386791.1).

ClinVar aggregate classification (germline): Uncertain significance (1 of 4 stars; one submission).

Conditions:
Marfan syndrome (MFS). Also called: MARFAN SYNDROME, TYPE I; Marfan syndrome type 1; Marfan's syndrome; FBN1-Related Marfan Syndrome; Marfan syndrome, classic. Identifiers: Orphanet 284963, Orphanet 558, MedGen C0024796, MONDO:0007947, OMIM 154700.

gnomAD v4.1: 3 of 1,614,190 alleles (0.00019%); highest among the groups gnomAD compares: Admixed American, 0.0033%; no homozygotes.

Submission:

All of Us Research Program, National Institutes of Health
Classification: Uncertain significance for Marfan syndrome. Last evaluated: 2024-08-13. Review status: criteria provided, single submitter. Criteria: ACMG Guidelines, 2015. Collection method: clinical testing. Allele origin: germline. Inheritance: Autosomal dominant inheritance. Observed: 1 variant allele, 1 heterozygote.
Comment: This missense variant replaces asparagine with serine at codon 1544 of the FBN1 protein. Computational prediction suggests that this variant may not impact protein structure and function. To our knowledge, functional studies have not been reported for this variant. This variant has not been reported in individuals affected with FBN1-related disorders in the literature. This variant has been identified in 2/251288 chromosomes in the general population by the Genome Aggregation Database (gnomAD). The available evidence is insufficient to determine the role of this variant in disease conclusively. Therefore, this variant is classified as a Variant of Uncertain Significance.

This study involves interpretation of variants in research participants for the purpose of population health screening. Participant phenotype was not available at the time of variant classification. Additional details can be found in publication PMID: 35346344, PMCID: PMC8962531